The following is an entry in ClinVar:

NM_024589.3(ROGDI):c.305T>C (p.Phe102Ser)

Gene: ROGDI (rogdi atypical leucine zipper; minus strand). Cytogenetic location: 16p13.3.
Variant type: single nucleotide variant.
Coding change: c.305T>C on transcript NM_024589.3 (MANE Select); coding-DNA position 305, T replaced by C.
Protein change: p.Phe102Ser; replaces phenylalanine 102 with serine.
Molecular consequence: missense variant. On other transcripts: non-coding transcript variant (1).
Genome position (GRCh38, 1-based): chr16:4,800,529, A>G on the plus strand (T>C on the coding strand, the complement: ROGDI is on the minus strand). VCF-style: chr16-4800529-A-G. GRCh37 (hg19) VCF-style: chr16-4850530-A-G.
Other names: short protein forms F102S.
Identifiers: ClinVar variation 1489436 (VCV001489436.3), dbSNP rs2141910617, ClinGen allele CA394654149.
Genomic context (GRCh38, chr16:4,800,529, plus strand): 5'-TGAGCACTAGCCAGGAGGGGCGGGGTCACCTGCTGCAGCTTCCACTGCTTGTCCTCCCGG[A>G]AGGCGAAGTGCAGCAGCTGGTTGTTCCGGGGCATCTTCAGGTTCACATCCTGACAGGCAA-3'
Protein context (NP_078865.1, residues 92-112): PRNNQLLHFA[Phe102Ser]REDKQWKLQQ

ClinVar aggregate classification (germline): Uncertain significance (1 of 4 stars; one submission).

Conditions:
Amelocerebrohypohidrotic syndrome (KTZS). Also called: KOHLSCHUTTER SYNDROME; Kohlschutter's syndrome; EPILEPSY AND YELLOW TEETH; EPILEPSY, DEMENTIA, AND AMELOGENESIS IMPERFECTA. Identifiers: Orphanet 1946, MedGen C0406740, MONDO:0009185, OMIM 226750.

Submission:

Labcorp Genetics (formerly Invitae), Labcorp
Classification: Uncertain significance for Amelocerebrohypohidrotic syndrome. Last evaluated: 2021-11-16. Review status: criteria provided, single submitter. Criteria: Invitae Variant Classification Sherloc (09022015). Collection method: clinical testing. Allele origin: germline.
Comment: This sequence change replaces phenylalanine, which is neutral and non-polar, with serine, which is neutral and polar, at codon 102 of the ROGDI protein (p.Phe102Ser). This variant is not present in population databases (gnomAD no frequency). This variant has not been reported in the literature in individuals affected with ROGDI-related conditions. Algorithms developed to predict the effect of missense changes on protein structure and function are either unavailable or do not agree on the potential impact of this missense change (SIFT: "Tolerated"; PolyPhen-2: "Probably Damaging"; Align-GVGD: "Class C15"). In summary, the available evidence is currently insufficient to determine the role of this variant in disease. Therefore, it has been classified as a Variant of Uncertain Significance.